The following is an entry in ClinVar:

NM_001042492.3(NF1):c.5235G>A (p.Lys1745=)

Gene: NF1 (neurofibromin 1; plus strand). Cytogenetic location: 17q11.2.
Variant type: single nucleotide variant.
Coding change: c.5235G>A on transcript NM_001042492.3 (MANE Select); coding-DNA position 5235, G replaced by A.
Protein change: p.Lys1745=; no amino-acid change (lysine 1745 retained).
Molecular consequence: synonymous variant.
Genome position (GRCh38, 1-based): chr17:31,326,219, G>A. VCF-style: chr17-31326219-G-A. GRCh37 (hg19) VCF-style: chr17-29653237-G-A.
Other names: p.Lys1724=; c.5172G>A, p.Lys1724= (NM_000267.4).
Identifiers: ClinVar variation 184131 (VCV000184131.87), dbSNP rs17887014, ClinGen allele CA187896.

ClinVar aggregate classification (germline): Benign/Likely benign. Review status: criteria provided, multiple submitters, no conflicts (2 of 4 stars). 31 submissions from 26 submitters: Benign (16); Likely benign (11). 4 of the submissions do not count toward it. Last evaluated 2026-09-01.

Conditions:
Hereditary cancer-predisposing syndrome. Also called: Hereditary neoplastic syndrome; Tumor predisposition; Neoplastic Syndromes, Hereditary; Hereditary Cancer Syndrome. Identifiers: Orphanet 140162, MedGen C0027672, MeSH D009386, MONDO:0015356.
Cardiovascular phenotype. Identifiers: MedGen CN230736.
Neurofibromatosis, type 1 (NF1). Also called: Peripheral type neurofibromatosis; Neurofibromatosis, type I; NEUROFIBROMATOSIS, TYPE I, SOMATIC; VON RECKLINGHAUSEN DISEASE. Identifiers: Orphanet 636, MedGen C0027831, MONDO:0018975, OMIM 162200. Disease mechanism: loss of function.
Neurofibromatosis-Noonan syndrome (NFNS). Also called: NEUROFIBROMATOSIS WITH NOONAN PHENOTYPE. Identifiers: Orphanet 638, MedGen C2931482, MONDO:0011035, OMIM 601321. Disease mechanism: loss of function.
Café-au-lait macules with pulmonary stenosis (WTSN). Also called: PULMONIC STENOSIS WITH CAFE-AU-LAIT SPOTS. Identifiers: MedGen C0553586, MONDO:0008672, OMIM 193520.
Juvenile myelomonocytic leukemia (JMML). Also called: LEUKEMIA, JUVENILE MYELOMONOCYTIC, SOMATIC. Identifiers: Orphanet 86834, MedGen C0349639, MONDO:0011908, OMIM 607785, HP:0012209.
Neurofibromatosis, familial spinal (FSNF). Identifiers: Orphanet 636, MedGen C1834235, MONDO:0008078, OMIM 162210. Disease mechanism: loss of function.

Allele frequency attached by ClinVar (database versions not stated): 1000 Genomes Project 0.00200; 1000 Genomes Project 30x 0.00203; TOPMed 0.00263; gnomAD 0.00305 and 0.00306; gnomAD exomes 0.00307 and 0.00395; ExAC 0.00341; ESP Exome Variant Server 0.00354.
gnomAD v4.1: 6,191 of 1,611,832 alleles (0.38%); highest among the groups gnomAD compares: Middle Eastern, 0.69%; 29 homozygotes.

Submissions 1 to 21 of 31:

CeGaT Center for Human Genetics Tuebingen
Classification: Benign. Last evaluated: 2026-09-01. Review status: criteria provided, single submitter. Criteria: CeGaT Center For Human Genetics Tuebingen Variant Classification Criteria Version 2. Collection method: clinical testing. Allele origin: germline. Affected: yes. Observed: 113 variant alleles.
Comment: NF1: BP4, BP7, BS1, BS2

Myriad Genetics, Inc.
Classification: Benign for Neurofibromatosis, type 1. Last evaluated: 2026-05-20. Review status: criteria provided, single submitter. Criteria: Myriad Autosomal Dominant, Autosomal Recessive and X-Linked Classification Criteria (2023). Collection method: clinical testing. Allele origin: unknown.
Comment: This variant is considered benign. This variant is a silent/synonymous amino acid change and it is not expected to impact splicing.

Labcorp Genetics (formerly Invitae), Labcorp
Classification: Benign for Neurofibromatosis, type 1. Last evaluated: 2026-02-04. Review status: criteria provided, single submitter. Criteria: Invitae Variant Classification Sherloc (09022015). Collection method: clinical testing. Allele origin: germline.

Mayo Clinic Laboratories, Mayo Clinic
Classification: Likely benign. Last evaluated: 2025-09-16. Review status: criteria provided, single submitter. Criteria: ACMG Guidelines, 2015. Collection method: clinical testing. Allele origin: germline. Observed: 12 variant alleles.
Comment: BS1, BP4, BP5, BP7

ARUP Laboratories, Molecular Genetics and Genomics, ARUP Laboratories
Classification: Benign. Last evaluated: 2025-06-03. Review status: criteria provided, single submitter. Criteria: ARUP Molecular Germline Variant Investigation Process 2024. Collection method: clinical testing. Allele origin: germline.

Center for Genomic Medicine, Rigshospitalet, Copenhagen University Hospital
Classification: Likely benign. Last evaluated: 2025-03-04. Review status: criteria provided, single submitter. Criteria: ACMG Guidelines, 2015. Collection method: clinical testing. Allele origin: germline.

KCCC/NGS Laboratory, Kuwait Cancer Control Center
Classification: Benign for Neurofibromatosis, type 1. Last evaluated: 2025-02-01. Review status: criteria provided, single submitter. Criteria: ACMG Guidelines, 2015. Collection method: clinical testing. Allele origin: germline. Affected: no.

Blueprint Genetics
Classification: Likely benign. Last evaluated: 2024-11-27. Review status: criteria provided, single submitter. Criteria: ACMG Guidelines, 2015. Collection method: clinical testing. Allele origin: germline.

Department of Pathology and Laboratory Medicine, Sinai Health System
Classification: Likely benign for Neurofibromatosis, type 1; Neurofibromatosis, familial spinal; Café-au-lait macules with pulmonary stenosis; Neurofibromatosis-Noonan syndrome; Juvenile myelomonocytic leukemia. Last evaluated: 2024-09-11. Review status: criteria provided, single submitter. Criteria: ACMG Guidelines, 2015. Collection method: clinical testing. Allele origin: germline.

KCCC/NGS Laboratory, Kuwait Cancer Control Center
Classification: Benign for Neurofibromatosis, familial spinal. Last evaluated: 2023-07-07. Review status: criteria provided, single submitter. Criteria: ACMG Guidelines, 2015. Collection method: clinical testing. Allele origin: germline. Affected: yes.

Genome-Nilou Lab
Classification: Likely benign for Neurofibromatosis, type 1. Last evaluated: 2022-03-15. Review status: criteria provided, single submitter. Criteria: ACMG Guidelines, 2015. Collection method: clinical testing. Allele origin: germline. Affected: no.

Sema4
Classification: Benign for Hereditary cancer-predisposing syndrome. Last evaluated: 2020-10-27. Review status: criteria provided, single submitter. Criteria: Sema4 Curation Guidelines. Collection method: curation. Allele origin: germline.

Genome Diagnostics Laboratory, The Hospital for Sick Children
Classification: Benign for Neurofibromatosis, type 1. Last evaluated: 2020-10-26. Review status: criteria provided, single submitter. Criteria: ACMG Guidelines, 2015. Collection method: clinical testing. Allele origin: germline. Affected: yes.

Mendelics
Classification: Benign for Neurofibromatosis, type 1. Last evaluated: 2019-05-28. Review status: criteria provided, single submitter. Criteria: Mendelics Assertion Criteria 2017. Collection method: clinical testing. Allele origin: unknown.

Genetic Services Laboratory, University of Chicago
Classification: Benign. Last evaluated: 2017-11-01. Review status: criteria provided, single submitter. Criteria: ACMG Guidelines, 2015. Collection method: clinical testing. Allele origin: germline. Affected: no.

GeneDx
Classification: Benign. Last evaluated: 2017-07-18. Review status: criteria provided, single submitter. Criteria: GeneDx Variant Classification (06012015). Collection method: clinical testing. Allele origin: germline. Affected: yes.
Comment: This variant is considered likely benign or benign based on one or more of the following criteria: it is a conservative change, it occurs at a poorly conserved position in the protein, it is predicted to be benign by multiple in silico algorithms, and/or has population frequency not consistent with disease.

Illumina Laboratory Services, Illumina
Classification: Likely benign for Neurofibromatosis-Noonan syndrome. Last evaluated: 2017-04-27. Review status: criteria provided, single submitter. Criteria: ICSL Variant Classification Criteria 13 December 2019. Collection method: clinical testing. Allele origin: germline.
Comment: This variant was observed as part of a predisposition screen in an ostensibly healthy population. A literature search was performed for the gene, cDNA change, and amino acid change (where applicable). No publications were found based on this search. Allele frequency data from public databases allowed determination this variant is unlikely to cause disease. Therefore, this variant is classified as likely benign.

Illumina Laboratory Services, Illumina
Classification: Likely benign for Neurofibromatosis, type 1. Last evaluated: 2017-04-27. Review status: criteria provided, single submitter. Criteria: ICSL Variant Classification Criteria 13 December 2019. Collection method: clinical testing. Allele origin: germline.
Comment: This variant was observed as part of a predisposition screen in an ostensibly healthy population. A literature search was performed for the gene, cDNA change, and amino acid change (where applicable). Publications were found based on this search. The evidence from the literature, in combination with allele frequency data from public databases where available, was sufficient to determine this variant is unlikely to cause disease. Therefore, this variant is classified as likely benign.

Illumina Laboratory Services, Illumina
Classification: Likely benign for Neurofibromatosis, familial spinal. Last evaluated: 2017-04-27. Review status: criteria provided, single submitter. Criteria: ICSL Variant Classification Criteria 13 December 2019. Collection method: clinical testing. Allele origin: germline.
Comment: the same text as in the submission from Illumina Laboratory Services, Illumina above.

Illumina Laboratory Services, Illumina
Classification: Likely benign for Café-au-lait macules with pulmonary stenosis. Last evaluated: 2017-04-27. Review status: criteria provided, single submitter. Criteria: ICSL Variant Classification Criteria 13 December 2019. Collection method: clinical testing. Allele origin: germline.
Comment: the same text as in the submission from Illumina Laboratory Services, Illumina above.

Women's Health and Genetics/Laboratory Corporation of America, LabCorp
Classification: Benign. Last evaluated: 2016-08-31. Review status: criteria provided, single submitter. Criteria: LabCorp Variant Classification Summary - May 2015. Collection method: clinical testing. Allele origin: germline.
Comment: Variant summary: The NF1 c.5172G>A (p.Lys1724Lys) variant involves the alteration of a non-conserved nucleotide, resulting in a synonymous change. One in silico tool predicts a damaging outcome for this variant. 4/5 splice prediction tools predict no significant impact on normal splicing. ESE finder predicts that this variant may affect ESE sites. This variant was found in 408/119678 control chromosomes (1 homozygote), predominantly observed in the European (Non-Finnish) subpopulation at a frequency of 0.0047796 (314/65696). This frequency is about 23 times the estimated maximal expected allele frequency of a pathogenic NF1 variant (0.0002084), suggesting this is likely a benign polymorphism found primarily in the populations of European (Non-Finnish) origin. This variant has been reported in nF1 patients with classification of benign. In addition, multiple clinical diagnostic laboratories/reputable databases classified this variant as benign. Taken together, this variant is classified as benign.